The following continues an entry in ClinVar:

NM_030667.3(PTPRO):c.2165-5C>A

Gene: PTPRO. ClinVar aggregate classification (germline): Benign/Likely benign. Benign (2); Likely benign (3).

Submissions 35 to 58 of 58:

Dr. Peter K. Rogan Lab, Western University
No classification provided (evidence only). Condition: Colon adenocarcinoma. Review status: no classification provided. Collection method: in vitro. Allele origin: not applicable. Functional consequence: retained intron. Not counted in ClinVar's aggregate classification.

Dr. Peter K. Rogan Lab, Western University
No classification provided (evidence only). Condition: Colorectal cancer. Review status: no classification provided. Collection method: in vitro. Allele origin: not applicable. Functional consequence: retained intron. Not counted in ClinVar's aggregate classification.

Dr. Peter K. Rogan Lab, Western University
No classification provided (evidence only). Condition: Colorectal cancer. Review status: no classification provided. Collection method: in vitro. Allele origin: not applicable. Functional consequence: retained intron. Not counted in ClinVar's aggregate classification.

Dr. Peter K. Rogan Lab, Western University
No classification provided (evidence only). Condition: Colorectal cancer. Review status: no classification provided. Collection method: in vitro. Allele origin: not applicable. Functional consequence: retained intron. Not counted in ClinVar's aggregate classification.

Dr. Peter K. Rogan Lab, Western University
No classification provided (evidence only). Condition: Thyroid cancer, nonmedullary, 1. Review status: no classification provided. Collection method: in vitro. Allele origin: not applicable. Functional consequence: retained intron. Not counted in ClinVar's aggregate classification.

Dr. Peter K. Rogan Lab, Western University
No classification provided (evidence only). Condition: Thyroid cancer, nonmedullary, 1. Review status: no classification provided. Collection method: in vitro. Allele origin: not applicable. Functional consequence: retained intron. Not counted in ClinVar's aggregate classification.

Dr. Peter K. Rogan Lab, Western University
No classification provided (evidence only). Condition: Thyroid cancer, nonmedullary, 1. Review status: no classification provided. Collection method: in vitro. Allele origin: not applicable. Functional consequence: retained intron. Not counted in ClinVar's aggregate classification.

Dr. Peter K. Rogan Lab, Western University
No classification provided (evidence only). Condition: Thyroid cancer, nonmedullary, 1. Review status: no classification provided. Collection method: in vitro. Allele origin: not applicable. Functional consequence: retained intron. Not counted in ClinVar's aggregate classification.

Dr. Peter K. Rogan Lab, Western University
No classification provided (evidence only). Condition: Thyroid cancer, nonmedullary, 1. Review status: no classification provided. Collection method: in vitro. Allele origin: not applicable. Functional consequence: retained intron. Not counted in ClinVar's aggregate classification.

Dr. Peter K. Rogan Lab, Western University
No classification provided (evidence only). Condition: Thyroid cancer, nonmedullary, 1. Review status: no classification provided. Collection method: in vitro. Allele origin: not applicable. Functional consequence: retained intron. Not counted in ClinVar's aggregate classification.

Dr. Peter K. Rogan Lab, Western University
No classification provided (evidence only). Condition: Thyroid cancer, nonmedullary, 1. Review status: no classification provided. Collection method: in vitro. Allele origin: not applicable. Functional consequence: retained intron. Not counted in ClinVar's aggregate classification.

Dr. Peter K. Rogan Lab, Western University
No classification provided (evidence only). Condition: Uterine corpus endometrial carcinoma. Review status: no classification provided. Collection method: in vitro. Allele origin: not applicable. Functional consequence: retained intron. Not counted in ClinVar's aggregate classification.

Dr. Peter K. Rogan Lab, Western University
No classification provided (evidence only). Condition: Uterine corpus endometrial carcinoma. Review status: no classification provided. Collection method: in vitro. Allele origin: not applicable. Functional consequence: retained intron. Not counted in ClinVar's aggregate classification.

Dr. Peter K. Rogan Lab, Western University
No classification provided (evidence only). Condition: Uterine corpus endometrial carcinoma. Review status: no classification provided. Collection method: in vitro. Allele origin: not applicable. Functional consequence: retained intron. Not counted in ClinVar's aggregate classification.

Dr. Peter K. Rogan Lab, Western University
No classification provided (evidence only). Condition: Cervical cancer. Review status: no classification provided. Collection method: in vitro. Allele origin: not applicable. Functional consequence: retained intron. Not counted in ClinVar's aggregate classification.

Dr. Peter K. Rogan Lab, Western University
No classification provided (evidence only). Condition: Sarcoma. Review status: no classification provided. Collection method: in vitro. Allele origin: not applicable. Functional consequence: retained intron. Not counted in ClinVar's aggregate classification.

Dr. Peter K. Rogan Lab, Western University
No classification provided (evidence only). Condition: Sarcoma. Review status: no classification provided. Collection method: in vitro. Allele origin: not applicable. Functional consequence: retained intron. Not counted in ClinVar's aggregate classification.

Dr. Peter K. Rogan Lab, Western University
No classification provided (evidence only). Condition: Sarcoma. Review status: no classification provided. Collection method: in vitro. Allele origin: not applicable. Functional consequence: retained intron. Not counted in ClinVar's aggregate classification.

Dr. Peter K. Rogan Lab, Western University
No classification provided (evidence only). Condition: Sarcoma. Review status: no classification provided. Collection method: in vitro. Allele origin: not applicable. Functional consequence: retained intron. Not counted in ClinVar's aggregate classification.

Dr. Peter K. Rogan Lab, Western University
No classification provided (evidence only). Condition: Sarcoma. Review status: no classification provided. Collection method: in vitro. Allele origin: not applicable. Functional consequence: retained intron. Not counted in ClinVar's aggregate classification.

Dr. Peter K. Rogan Lab, Western University
No classification provided (evidence only). Condition: Nonpapillary renal cell carcinoma. Review status: no classification provided. Collection method: in vitro. Allele origin: not applicable. Functional consequence: retained intron. Not counted in ClinVar's aggregate classification.

Dr. Peter K. Rogan Lab, Western University
No classification provided (evidence only). Condition: Nonpapillary renal cell carcinoma. Review status: no classification provided. Collection method: in vitro. Allele origin: not applicable. Functional consequence: retained intron. Not counted in ClinVar's aggregate classification.

Dr. Peter K. Rogan Lab, Western University
No classification provided (evidence only). Condition: Cholangiocarcinoma. Review status: no classification provided. Collection method: in vitro. Allele origin: not applicable. Functional consequence: retained intron. Not counted in ClinVar's aggregate classification.

Dr. Peter K. Rogan Lab, Western University
No classification provided (evidence only). Condition: Gastric cancer. Review status: no classification provided. Collection method: in vitro. Allele origin: not applicable. Functional consequence: retained intron. Not counted in ClinVar's aggregate classification.